The following is an entry in ClinVar:

ClinVar aggregate classification (germline): Uncertain significance. Review status: criteria provided, multiple submitters, no conflicts (2 of 4 stars). 5 submissions from 5 submitters: Uncertain significance (4). 1 of the submissions does not count toward it. Last evaluated 2025-07-30.

Conditions:
Hereditary cancer-predisposing syndrome. Also called: Hereditary Cancer Syndrome; Hereditary neoplastic syndrome; Neoplastic Syndromes, Hereditary; Tumor predisposition. Identifiers: Orphanet 140162, MedGen C0027672, MeSH D009386, MONDO:0015356.
Breast-ovarian cancer, familial, susceptibility to, 1 (BROVCA1). Also called: BRCA1 Hereditary Breast and Ovarian Cancer; OVARIAN CANCER, SUSCEPTIBILITY TO. Identifiers: Orphanet 145, MedGen C2676676, MONDO:0011450, OMIM 604370. Disease mechanism: loss of function.
Hereditary breast ovarian cancer syndrome. Also called: BRCA1- and BRCA2-Associated Hereditary Breast and Ovarian Cancer; Hereditary breast and ovarian cancer syndrome; Hereditary breast and ovarian cancer syndrome (HBOC); Breast and ovarian cancer; Hereditary breast and/or ovarian cancer syndrome; Hereditary breast and ovarian cancer. Identifiers: Orphanet 145, MedGen C0677776, MeSH D061325, MONDO:0003582. Disease mechanism: loss of function.

Allele frequency attached by ClinVar (database versions not stated): TOPMed below 0.00001; gnomAD exomes below 0.00001.
gnomAD v4.1: 4 of 1,614,196 alleles (0.00025%); highest among the groups gnomAD compares: Non-Finnish European, 0.00025%; no homozygotes.

Submissions (5):

Labcorp Genetics (formerly Invitae), Labcorp
Classification: Uncertain significance for Hereditary breast ovarian cancer syndrome. Last evaluated: 2025-07-30. Review status: criteria provided, single submitter. Criteria: Invitae Variant Classification Sherloc (09022015). Collection method: clinical testing. Allele origin: germline.
Comment: This sequence change replaces isoleucine, which is neutral and non-polar, with valine, which is neutral and non-polar, at codon 1568 of the BRCA1 protein (p.Ile1568Val). This variant is not present in population databases (gnomAD no frequency). This missense change has been observed in individual(s) with clinical features of BRCA1-related conditions (PMID: 10923033). ClinVar contains an entry for this variant (Variation ID: 55265). Invitae Evidence Modeling of protein sequence and biophysical properties (such as structural, functional, and spatial information, amino acid conservation, physicochemical variation, residue mobility, and thermodynamic stability) indicates that this missense variant is not expected to disrupt BRCA1 protein function with a negative predictive value of 95%. In summary, the available evidence is currently insufficient to determine the role of this variant in disease. Therefore, it has been classified as a Variant of Uncertain Significance.

Ambry Genetics
Classification: Uncertain significance for Hereditary cancer-predisposing syndrome. Last evaluated: 2023-12-22. Review status: criteria provided, single submitter. Criteria: Ambry Variant Classification Scheme 2023. Collection method: clinical testing. Allele origin: germline.
Comment: The p.I1568V variant (also known as c.4702A>G), located in coding exon 14 of the BRCA1 gene, results from an A to G substitution at nucleotide position 4702. The isoleucine at codon 1568 is replaced by valine, an amino acid with highly similar properties. This variant had 87.24% of wildtype activity in a transcription activation assay (Woods NT et al. NPJ Genom Med, 2016 Mar;1:). This amino acid position is not well conserved in available vertebrate species. In addition, the in silico prediction for this alteration is inconclusive. Since supporting evidence is limited at this time, the clinical significance of this alteration remains unclear.

All of Us Research Program, National Institutes of Health
Classification: Uncertain significance for Breast-ovarian cancer, familial, susceptibility to, 1. Last evaluated: 2023-04-15. Review status: criteria provided, single submitter. Criteria: ACMG Guidelines, 2015. Collection method: clinical testing. Allele origin: germline. Inheritance: Autosomal dominant inheritance. Observed: 1 variant allele, 1 heterozygote.
Comment: This missense variant replaces isoleucine with valine at codon 1568 of the BRCA1 protein. Computational prediction suggests that this variant may not impact protein structure and function (internally defined REVEL score threshold <= 0.5, PMID: 27666373). To our knowledge, functional studies have not been reported for this variant. This variant has not been reported in individuals affected with hereditary cancer in the literature. This variant has not been identified in the general population by the Genome Aggregation Database (gnomAD). The available evidence is insufficient to determine the role of this variant in disease conclusively. Therefore, this variant is classified as a Variant of Uncertain Significance.

This study involves interpretation of variants in research participants for the purpose of population health screening. Participant phenotype was not available at the time of variant classification. Additional details can be found in publication PMID: 35346344, PMCID: PMC8962531

Quest Diagnostics Nichols Institute San Juan Capistrano
Classification: Uncertain significance. Last evaluated: 2018-07-06. Review status: criteria provided, single submitter. Criteria: Quest Diagnostics criteria. Collection method: clinical testing. Allele origin: germline.

Breast Cancer Information Core (BIC) (BRCA1)
Classification: Uncertain significance for Breast-ovarian cancer, familial 1. Last evaluated: 2004-11-25. Review status: no assertion criteria provided. Collection method: clinical testing. Allele origin: germline. Affected: yes. Observed: 1 variant allele. Not counted in ClinVar's aggregate classification.

Literature cited by the submitters: PubMed 10923033 (cited by Labcorp Genetics (formerly Invitae), Labcorp); PubMed 28781887 (cited by Ambry Genetics).

NM_007294.4(BRCA1):c.4702A>G (p.Ile1568Val)

Gene: BRCA1 (BRCA1 DNA repair associated; minus strand). Cytogenetic location: 17q21.31.
Variant type: single nucleotide variant.
Coding change: c.4702A>G on transcript NM_007294.4 (MANE Select); coding-DNA position 4702, A replaced by G.
Protein change: p.Ile1568Val; replaces isoleucine 1568 with valine.
Molecular consequence: missense variant. On other transcripts: non-coding transcript variant (1).
Genome position (GRCh38, 1-based): chr17:43,071,212, T>C on the plus strand (A>G on the coding strand, the complement: BRCA1 is on the minus strand). VCF-style: chr17-43071212-T-C. GRCh37 (hg19) VCF-style: chr17-41223229-T-C.
Other names: c.4558A>G, p.Ile1520Val (NM_001407733.1, NM_001407734.1, NM_001407735.1 and 21 more transcripts); c.4240A>G, p.Ile1414Val (NM_001407964.1); c.4195A>G, p.Ile1399Val (NM_001407965.1); c.3814A>G, p.Ile1272Val (NM_001407966.1); c.3811A>G, p.Ile1271Val (NM_001407967.1); c.2098A>G, p.Ile700Val (NM_001407968.1); c.2095A>G, p.Ile699Val (NM_001407969.1); c.1459A>G, p.Ile487Val (NM_001407970.1, NM_001407971.1); and 70 more; short protein forms I1568V, I1589V, I1521V, I464V, I1439V, I1457V, I1478V, I1498V.
Identifiers: ClinVar variation 55265 (VCV000055265.16), dbSNP rs80357119, ClinGen allele CA002984.